The following is an entry in ClinVar:

ClinVar aggregate classification (germline): Conflicting classifications of pathogenicity. Review status: criteria provided, conflicting classifications (1 of 4 stars). 5 submissions from 5 submitters: Likely pathogenic (1); Uncertain significance (4). Last evaluated 2024-04-20.

Conditions:
Familial hypokalemia-hypomagnesemia (GTLMNS). Also called: gitelman syndrome; HYPOMAGNESEMIA-HYPOKALEMIA, PRIMARY RENOTUBULAR, WITH HYPOCALCIURIA; POTASSIUM AND MAGNESIUM DEPLETION. Identifiers: Orphanet 358, MedGen C0268450, MONDO:0009904, OMIM 263800.

Allele frequency attached by ClinVar (database versions not stated): gnomAD 0.00006 and 0.00011; TOPMed 0.00008; gnomAD exomes 0.00016 and 0.00027; ExAC 0.00032.
gnomAD v4.1: 260 of 1,613,864 alleles (0.016%); highest among the groups gnomAD compares: Middle Eastern, 0.16%; 1 homozygote.

Submissions (5):

Fulgent Genetics
Classification: Uncertain significance for Familial hypokalemia-hypomagnesemia. Last evaluated: 2024-04-20. Review status: criteria provided, single submitter. Criteria: ACMG Guidelines, 2015. Collection method: clinical testing. Allele origin: germline.

Baylor Genetics
Classification: Uncertain significance for Familial hypokalemia-hypomagnesemia. Last evaluated: 2023-02-01. Review status: criteria provided, single submitter. Criteria: ACMG Guidelines, 2015. Collection method: clinical testing. Allele origin: unknown.

Labcorp Genetics (formerly Invitae), Labcorp
Classification: Uncertain significance. Last evaluated: 2022-05-21. Review status: criteria provided, single submitter. Criteria: Invitae Variant Classification Sherloc (09022015). Collection method: clinical testing. Allele origin: germline.
Comment: This sequence change replaces alanine, which is neutral and non-polar, with threonine, which is neutral and polar, at codon 232 of the SLC12A3 protein (p.Ala232Thr). This variant is present in population databases (rs201318038, gnomAD 0.2%). This missense change has been observed in individual(s) with clinical features of SLC12A3-related conditions (PMID: 24696311). This variant is also known as A230T . ClinVar contains an entry for this variant (Variation ID: 548560). Advanced modeling of protein sequence and biophysical properties (such as structural, functional, and spatial information, amino acid conservation, physicochemical variation, residue mobility, and thermodynamic stability) performed at Invitae indicates that this missense variant is expected to disrupt SLC12A3 protein function. Experimental studies have shown that this missense change affects SLC12A3 function (PMID: 21157372). In summary, the available evidence is currently insufficient to determine the role of this variant in disease. Therefore, it has been classified as a Variant of Uncertain Significance.

Genomic Research Center, Shahid Beheshti University of Medical Sciences
Classification: Uncertain significance for Familial hypokalemia-hypomagnesemia. Last evaluated: 2018-03-05. Review status: criteria provided, single submitter. Criteria: ACMG Guidelines, 2015. Collection method: clinical testing. Allele origin: inherited. Affected: no. Observed: 1 variant allele.

Kariminejad - Najmabadi Pathology & Genetics Center
Classification: Likely pathogenic for Familial hypokalemia-hypomagnesemia. Review status: criteria provided, single submitter. Criteria: ACMG Guidelines, 2015. Collection method: clinical testing. Allele origin: germline. Affected: no.

Literature cited by the submitters: PubMed 24696311 (cited by Labcorp Genetics (formerly Invitae), Labcorp); PubMed 21157372 (cited by Labcorp Genetics (formerly Invitae), Labcorp).

NM_001126108.2(SLC12A3):c.694G>A (p.Ala232Thr)

Gene: SLC12A3 (solute carrier family 12 member 3; plus strand). Cytogenetic location: 16q13.
Variant type: single nucleotide variant.
Coding change: c.694G>A on transcript NM_001126108.2 (MANE Select); coding-DNA position 694, G replaced by A.
Protein change: p.Ala232Thr; replaces alanine 232 with threonine.
Molecular consequence: missense variant.
Genome position (GRCh38, 1-based): chr16:56,870,188, G>A. VCF-style: chr16-56870188-G-A. GRCh37 (hg19) VCF-style: chr16-56904100-G-A.
Other names: c.694G>A, p.Ala232Thr (NM_000339.3); c.691G>A, p.Ala231Thr (NM_001126107.2); short protein forms A232T, A231T.
Identifiers: ClinVar variation 548560 (VCV000548560.10), dbSNP rs201318038, ClinGen allele CA8069150.